The following is an entry in ClinVar:

ClinVar aggregate classification (germline): Uncertain significance (1 of 4 stars; one submission).

Conditions:
Ehlers-Danlos syndrome, classic type, 1 (EDSCL1). Also called: EHLERS-DANLOS SYNDROME, GRAVIS TYPE; EHLERS-DANLOS SYNDROME, SEVERE CLASSIC TYPE; Ehlers-Danlos syndrome, type 1; Ehlers-Danlos Syndrome, Classic Type, COL5A1-Related; EDS I. Identifiers: MedGen C0268335, MONDO:0019567, OMIM 130000.

gnomAD v4.1: 3 of 1,613,892 alleles (0.00019%); highest among the groups gnomAD compares: South Asian, 0.0022%; no homozygotes.

Submission:

Labcorp Genetics (formerly Invitae), Labcorp
Classification: Uncertain significance for Ehlers-Danlos syndrome, classic type, 1. Last evaluated: 2025-01-26. Review status: criteria provided, single submitter. Criteria: Invitae Variant Classification Sherloc (09022015). Collection method: clinical testing. Allele origin: germline.
Comment: This sequence change replaces glycine, which is neutral and non-polar, with serine, which is neutral and polar, at codon 1458 of the COL5A2 protein (p.Gly1458Ser). This variant is present in population databases (rs778927121, gnomAD 0.006%). This variant has not been reported in the literature in individuals affected with COL5A2-related conditions. Invitae Evidence Modeling of protein sequence and biophysical properties (such as structural, functional, and spatial information, amino acid conservation, physicochemical variation, residue mobility, and thermodynamic stability) indicates that this missense variant is not expected to disrupt COL5A2 protein function with a negative predictive value of 80%. In summary, the available evidence is currently insufficient to determine the role of this variant in disease. Therefore, it has been classified as a Variant of Uncertain Significance.

NM_000393.5(COL5A2):c.4372G>A (p.Gly1458Ser)

Gene: COL5A2 (collagen type V alpha 2 chain; minus strand). Cytogenetic location: 2q32.2.
Variant type: single nucleotide variant.
Coding change: c.4372G>A on transcript NM_000393.5 (MANE Select); coding-DNA position 4372, G replaced by A.
Protein change: p.Gly1458Ser; replaces glycine 1458 with serine.
Molecular consequence: missense variant.
Genome position (GRCh38, 1-based): chr2:189,034,198, C>T on the plus strand (G>A on the coding strand, the complement: COL5A2 is on the minus strand). VCF-style: chr2-189034198-C-T. GRCh37 (hg19) VCF-style: chr2-189898924-C-T.
Other names: short protein forms G1458S.
Identifiers: ClinVar variation 3718723 (VCV003718723.2).